The following is an entry in ClinVar:

ClinVar aggregate classification (germline): Uncertain significance (1 of 4 stars; one submission).

Conditions:
Autoimmune lymphoproliferative syndrome type 2A (ALPS2A). Also called: Autoimmune lymphoproliferative syndrome type 2; CASP10-Related Autoimmune Lymphoproliferative Syndrome; AUTOIMMUNE LYMPHOPROLIFERATIVE SYNDROME, TYPE IIA. Identifiers: Orphanet 3261, MedGen C1858968, MONDO:0011383, OMIM 603909.

Allele frequency attached by ClinVar (database versions not stated): gnomAD 0.00001; TOPMed 0.00001.
gnomAD v4.1: 10 of 1,611,070 alleles (0.00062%); highest among the groups gnomAD compares: Admixed American, 0.0033%; no homozygotes.

Submission:

Labcorp Genetics (formerly Invitae), Labcorp
Classification: Uncertain significance for Autoimmune lymphoproliferative syndrome type 2A. Last evaluated: 2025-10-27. Review status: criteria provided, single submitter. Criteria: Invitae Variant Classification Sherloc (09022015). Collection method: clinical testing. Allele origin: germline.
Comment: This sequence change replaces glycine, which is neutral and non-polar, with valine, which is neutral and non-polar, at codon 247 of the CASP10 protein (p.Gly247Val). This variant is present in population databases (no rsID available, gnomAD 0.006%). This variant has not been reported in the literature in individuals affected with CASP10-related conditions. ClinVar contains an entry for this variant (Variation ID: 2930644). An algorithm developed to predict the effect of missense changes on protein structure and function (PolyPhen-2) suggests that this variant is likely to be tolerated. In summary, the available evidence is currently insufficient to determine the role of this variant in disease. Therefore, it has been classified as a Variant of Uncertain Significance.

NM_032977.4(CASP10):c.740G>T (p.Gly247Val)

Gene: CASP10 (caspase 10; plus strand). Cytogenetic location: 2q33.1.
Variant type: single nucleotide variant.
Coding change: c.740G>T on transcript NM_032977.4 (MANE Select); coding-DNA position 740, G replaced by T.
Protein change: p.Gly247Val; replaces glycine 247 with valine.
Molecular consequence: missense variant. On other transcripts: intron variant (4).
Genome position (GRCh38, 1-based): chr2:201,205,900, G>T. VCF-style: chr2-201205900-G-T. GRCh37 (hg19) VCF-style: chr2-202070623-G-T.
Other names: c.740G>T, p.Gly247Val (NM_032974.5); c.685-2175G>T (NM_001206542.2, NM_001230.5); c.721+2134G>T (NM_032976.4, NM_001206524.2); short protein forms G247V.
Identifiers: ClinVar variation 2930644 (VCV002930644.3), dbSNP rs950969664, ClinGen allele CA63863963.
Genomic context (GRCh38, chr2:201,205,900, plus strand): 5'-GCTTGGGGAAGATATTTGGAGTCTGAGTACCTCTCTTTCTAGGTAACAGAGCCACAAATG[G>T]TGCACCAAGCCTGGTCTCCAGGGGGATGCAAGGAGCATCTGCTAACACTCTAAACTCTGA-3'
Protein context (NP_116759.2, residues 237-257): AGSNGNRATN[Gly247Val]APSLVSRGMQ